The following is an entry in ClinVar:

ClinVar aggregate classification (germline): Uncertain significance. Review status: criteria provided, multiple submitters, no conflicts (2 of 4 stars). 2 submissions from 2 submitters: Uncertain significance (2). Last evaluated 2025-12-08.

Conditions:
Hereditary cancer-predisposing syndrome. Also called: Neoplastic Syndromes, Hereditary; Tumor predisposition; Hereditary neoplastic syndrome; Hereditary Cancer Syndrome. Identifiers: Orphanet 140162, MedGen C0027672, MeSH D009386, MONDO:0015356.

Submissions (2):

Labcorp Genetics (formerly Invitae), Labcorp
Classification: Uncertain significance. Last evaluated: 2025-12-08. Review status: criteria provided, single submitter. Criteria: Invitae Variant Classification Sherloc (09022015). Collection method: clinical testing. Allele origin: germline.
Comment: This sequence change replaces aspartic acid, which is acidic and polar, with glycine, which is neutral and non-polar, at codon 275 of the POLE protein (p.Asp275Gly). This variant is not present in population databases (gnomAD no frequency). This variant has not been reported in the literature in individuals affected with POLE-related conditions. ClinVar contains an entry for this variant (Variation ID: 566620). Invitae Evidence Modeling of protein sequence and biophysical properties (such as structural, functional, and spatial information, amino acid conservation, physicochemical variation, residue mobility, and thermodynamic stability) indicates that this missense variant is expected to disrupt POLE protein function with a positive predictive value of 80%. In summary, the available evidence is currently insufficient to determine the role of this variant in disease. Therefore, it has been classified as a Variant of Uncertain Significance.

Ambry Genetics
Classification: Uncertain significance for Hereditary cancer-predisposing syndrome. Last evaluated: 2023-07-13. Review status: criteria provided, single submitter. Criteria: Ambry Variant Classification Scheme 2023. Collection method: clinical testing. Allele origin: germline.
Comment: The p.D275G variant (also known as c.824A>G), located in coding exon 9 of the POLE gene, results from an A to G substitution at nucleotide position 824. The aspartic acid at codon 275 is replaced by glycine, an amino acid with similar properties. This amino acid position is highly conserved in available vertebrate species. In addition, this alteration is predicted to be deleterious by in silico analysis. Since supporting evidence is limited at this time, the clinical significance of this alteration remains unclear.

NM_006231.4(POLE):c.824A>G (p.Asp275Gly)

Gene: POLE (DNA polymerase epsilon, catalytic subunit; minus strand). Cytogenetic location: 12q24.33.
Variant type: single nucleotide variant.
Coding change: c.824A>G on transcript NM_006231.4 (MANE Select); coding-DNA position 824, A replaced by G.
Protein change: p.Asp275Gly; replaces aspartic acid 275 with glycine.
Molecular consequence: missense variant.
Genome position (GRCh38, 1-based): chr12:132,676,631, T>C on the plus strand (A>G on the coding strand, the complement: POLE is on the minus strand). VCF-style: chr12-132676631-T-C. GRCh37 (hg19) VCF-style: chr12-133253217-T-C.
Other names: c.824A>G (NM_006231.2); short protein forms D275G.
Identifiers: ClinVar variation 566620 (VCV000566620.10), dbSNP rs1565976801, ClinGen allele CA387364342.